The following is an entry in ClinVar:

ClinVar aggregate classification (germline): Likely benign (0 of 4 stars; one submission).

Conditions:
CATSPER1-related disorder. Also called: CATSPER1-related condition.

Allele frequency attached by ClinVar (database versions not stated): gnomAD 0.00001; TOPMed 0.00001; gnomAD exomes 0.00002; ExAC 0.00003; 1000 Genomes Project 30x 0.00016; 1000 Genomes Project 0.00020.
gnomAD v4.1: 29 of 1,612,826 alleles (0.0018%); highest among the groups gnomAD compares: South Asian, 0.015%; no homozygotes.

Submission:

PreventionGenetics, part of Exact Sciences
Classification: Likely benign for CATSPER1-related condition. Last evaluated: 2019-04-05. Review status: no assertion criteria provided. Collection method: clinical testing. Allele origin: germline.
Comment: This variant is classified as likely benign based on ACMG/AMP sequence variant interpretation guidelines (Richards et al. 2015 PMID: 25741868, with internal and published modifications).

NM_053054.4(CATSPER1):c.1704C>T (p.Ser568=)

Gene: CATSPER1 (cation channel sperm associated 1; minus strand). Cytogenetic location: 11q13.1.
Variant type: single nucleotide variant.
Coding change: c.1704C>T on transcript NM_053054.4 (MANE Select); coding-DNA position 1704, C replaced by T.
Protein change: p.Ser568=; no amino-acid change (serine 568 retained).
Molecular consequence: synonymous variant.
Genome position (GRCh38, 1-based): chr11:66,021,173, G>A on the plus strand (C>T on the coding strand, the complement: CATSPER1 is on the minus strand). VCF-style: chr11-66021173-G-A. GRCh37 (hg19) VCF-style: chr11-65788644-G-A.
Identifiers: ClinVar variation 3053458 (VCV003053458.2), dbSNP rs570606904, ClinGen allele CA6114576.
Genomic context (GRCh38, chr11:66,021,173, plus strand): 5'-GATGAGGATGGCTGCGATGGACGGCAAGGACTGGCCCAGGGTCCCTGTCACTTCCTGGAC[G>A]CTGGTCAGGAAGCTGTGGGCAGAAGGAGTGGGGACTGAGTCATCGGTGAGGGGCGGGGGT-3'
Protein context (NP_444282.3, residues 558-578): RVLRRLSFLT[Ser568=]VQEVTGTLGQ